The following is an entry in ClinVar:

ClinVar aggregate classification (germline): Uncertain significance (1 of 4 stars; one submission).

Conditions:
Vici syndrome (VICIS). Identifiers: Orphanet 1493, MedGen C1855772, MONDO:0009452, OMIM 242840.

Allele frequency attached by ClinVar (database versions not stated): TOPMed below 0.00001; gnomAD 0.00001; gnomAD exomes 0.00001.
gnomAD v4.1: 5 of 1,604,488 alleles (0.00031%); highest among the groups gnomAD compares: East Asian, 0.011%; no homozygotes.

Submission:

Labcorp Genetics (formerly Invitae), Labcorp
Classification: Uncertain significance for Vici syndrome. Last evaluated: 2026-01-05. Review status: criteria provided, single submitter. Criteria: Invitae Variant Classification Sherloc (09022015). Collection method: clinical testing. Allele origin: germline.
Comment: This sequence change replaces glutamic acid, which is acidic and polar, with glutamine, which is neutral and polar, at codon 1683 of the EPG5 protein (p.Glu1683Gln). This variant is not present in population databases (gnomAD no frequency). This variant has not been reported in the literature in individuals affected with EPG5-related conditions. ClinVar contains an entry for this variant (Variation ID: 2008152). Invitae Evidence Modeling of protein sequence and biophysical properties (such as structural, functional, and spatial information, amino acid conservation, physicochemical variation, residue mobility, and thermodynamic stability) indicates that this missense variant is expected to disrupt EPG5 protein function with a positive predictive value of 80%. In summary, the available evidence is currently insufficient to determine the role of this variant in disease. Therefore, it has been classified as a Variant of Uncertain Significance.

NM_020964.3(EPG5):c.5047G>C (p.Glu1683Gln)

Gene: EPG5 (ectopic P-granules 5 autophagy tethering factor; minus strand). Cytogenetic location: 18q12.3.
Variant type: single nucleotide variant.
Coding change: c.5047G>C on transcript NM_020964.3 (MANE Select); coding-DNA position 5047, G replaced by C.
Protein change: p.Glu1683Gln; replaces glutamic acid 1683 with glutamine.
Molecular consequence: missense variant.
Genome position (GRCh38, 1-based): chr18:45,887,813, C>G on the plus strand (G>C on the coding strand, the complement: EPG5 is on the minus strand). VCF-style: chr18-45887813-C-G. GRCh37 (hg19) VCF-style: chr18-43467778-C-G.
Other names: c.5047G>C, p.Glu1683Gln (NM_001410858.1, NM_001410859.1); short protein forms E1683Q.
Identifiers: ClinVar variation 2008152 (VCV002008152.4), dbSNP rs1398320709, ClinGen allele CA402346275.
Genomic context (GRCh38, chr18:45,887,813, plus strand): 5'-GTCCCAAGATCTCAATACATGAAGTAAAGAACTGCCTTGTTGGGGGATGACGCTGCGTCT[C>G]ATCGCTGACGTAATCCACAATAGTAAAGAAAAGGCTAATGCCAACTTTCTGAATCCCAGG-3'
Protein context (NP_066015.2, residues 1673-1693): FFTIVDYVSD[Glu1683Gln]TQRHPPTRQF